The following is an entry in ClinVar:

NM_001077350.3(NPRL3):c.150C>G (p.Asn50Lys)

Genes: HBA-LCR (alpha-globin locus control region; plus strand), NPRL3 (NPR3 like, GATOR1 complex subunit; minus strand). Cytogenetic location: 16p13.3.
Variant type: single nucleotide variant.
Coding change: c.150C>G on transcript NM_001077350.3 (MANE Select); coding-DNA position 150, C replaced by G.
Protein change: p.Asn50Lys; replaces asparagine 50 with lysine.
Molecular consequence: missense variant. On other transcripts: 5 prime UTR variant (2).
Genome position (GRCh38, 1-based): chr16:130,560, G>C on the plus strand (C>G on the coding strand, the complement: NPRL3 is on the minus strand). VCF-style: chr16-130560-G-C. GRCh37 (hg19) VCF-style: chr16-180559-G-C.
Other names: c.-183C>G (NM_001039476.3); c.-222C>G (NM_001243247.2); c.150C>G, p.Asn50Lys (NM_001243248.2, NM_001243249.2); short protein forms N50K.
Identifiers: ClinVar variation 546762 (VCV000546762.46), dbSNP rs373761767, ClinGen allele CA276422802.

ClinVar aggregate classification (germline): Uncertain significance. Review status: criteria provided, multiple submitters, no conflicts (2 of 4 stars). 2 submissions from 2 submitters: Uncertain significance (2). Last evaluated 2026-07-28.

Allele frequency attached by ClinVar (database versions not stated): gnomAD exomes below 0.00001 and 0.00001; gnomAD 0.00001; TOPMed 0.00001; ESP Exome Variant Server 0.00008.
gnomAD v4.1: 5 of 1,555,232 alleles (0.00032%); highest among the groups gnomAD compares: Non-Finnish European, 0.00044%; no homozygotes.

Submissions (2):

GeneDx
Classification: Uncertain significance. Last evaluated: 2026-07-28. Review status: criteria provided, single submitter. Criteria: GeneDx Variant Classification Process June 2021. Collection method: clinical testing. Allele origin: germline.
Comment: Not observed at significant frequency in large population cohorts (gnomAD); In silico analysis supports that this missense variant does not alter protein structure/function; Has not been previously published as pathogenic or benign to our knowledge

CeGaT Center for Human Genetics Tuebingen
Classification: Uncertain significance. Last evaluated: 2018-02-01. Review status: criteria provided, single submitter. Criteria: CeGaT Center For Human Genetics Tuebingen Variant Classification Criteria Version 2. Collection method: clinical testing. Allele origin: germline. Affected: yes. Observed: 1 variant allele.